The following is an entry in ClinVar:

NM_206933.4(USH2A):c.4081+1_4081+9del

Genes: USH2A (usherin; minus strand), USH2A-AS1 (USH2A antisense RNA 1; plus strand). Cytogenetic location: 1q41.
Variant type: Deletion.
Coding change: c.4081+1_4081+9del on transcript NM_206933.4 (MANE Select); the canonical splice donor site of the intron after coding-DNA position 4081 through 9 bases into the intron after coding-DNA position 4081, 9 bases deleted (GTAAAGATC; older notation c.4081+1_4081+9delGTAAAGATC).
Molecular consequence: splice donor variant.
Genome position (GRCh38, 1-based): chr1:216,198,306-216,198,314, GATCTTTAC deleted on the plus strand (GTAAAGATC on the coding strand, the reverse complement: USH2A is on the minus strand). VCF-style (leftmost placement, unchanged base first): chr1-216198305-TGATCTTTAC-T. GRCh37 (hg19) VCF-style: chr1-216371647-TGATCTTTAC-T.
Other names: c.4081+1_4081+9del (NM_007123.6).
Identifiers: ClinVar variation 1486285 (VCV001486285.8), dbSNP rs2102463667, ClinGen allele CA2573132004.
Genomic context (GRCh38, chr1:216,198,305, plus strand): 5'-TTGACTTTAATTTGAGGAAACATTTGCATTCAGAGGTTTTAAAAGTAGAATTTAAAACAT[TGATCTTTAC>T]CTGATTCTCCCGTTCTTTCTGAGACCCAGGCAGAAGACACACTTCCAGCCATATTCACAG-3'

ClinVar aggregate classification (germline): Likely pathogenic (1 of 4 stars; one submission).

Submission:

Labcorp Genetics (formerly Invitae), Labcorp
Classification: Likely pathogenic. Last evaluated: 2021-04-05. Review status: criteria provided, single submitter. Criteria: Invitae Variant Classification Sherloc (09022015). Collection method: clinical testing. Allele origin: germline.
Comment: This sequence change affects a donor splice site in intron 18 of the USH2A gene. It is expected to disrupt RNA splicing. Variants that disrupt the donor or acceptor splice site typically lead to a loss of protein function (PMID: 16199547), and loss-of-function variants in USH2A are known to be pathogenic (PMID: 10729113, 10909849, 20507924, 25649381). This variant is not present in population databases (ExAC no frequency). This variant has not been reported in the literature in individuals with USH2A-related conditions. Algorithms developed to predict the effect of sequence changes on RNA splicing suggest that this variant may disrupt the consensus splice site, but this prediction has not been confirmed by published transcriptional studies. In summary, the currently available evidence indicates that the variant is pathogenic, but additional data are needed to prove that conclusively. Therefore, this variant has been classified as Likely Pathogenic.

Literature cited by the submitters: PubMed 16199547; PubMed 10729113; PubMed 10909849; PubMed 20507924; PubMed 25649381.